The following is an entry in ClinVar:

ClinVar aggregate classification (germline): Pathogenic. Review status: criteria provided, multiple submitters, no conflicts (2 of 4 stars). 2 submissions from 2 submitters: Pathogenic (2). Last evaluated 2025-05-14.

Conditions:
Idiopathic basal ganglia calcification 1 (PFBC1A). Also called: Familial Idiopathic Basal Ganglia Calcification 2; PRIMARY FAMILIAL BRAIN CALCIFICATION 1A, AUTOSOMAL DOMINANT; Fahr's syndrome; Cerebral calcification nonarteriosclerotic idiopathic adult-onset; Striopallidodentate calcinosis autosomal dominant adult-onset; Ferrocalcinosis, cerebrovascular. Identifiers: Orphanet 1980, MedGen C4551624, MONDO:0024538, OMIM 213600.

Submissions (2):

Victorian Clinical Genetics Services, Murdoch Childrens Research Institute
Classification: Pathogenic for Idiopathic basal ganglia calcification 1. Last evaluated: 2025-05-14. Review status: criteria provided, single submitter. Criteria: ACMG Guidelines, 2015. Collection method: clinical testing. Allele origin: germline. Affected: yes.
Comment: This variant is classified as Pathogenic. Evidence in support of pathogenic classification: Variant is predicted to cause nonsense-mediated decay (NMD) and loss of protein (premature termination codon is located at least 54 nucleotides upstream of the final exon-exon junction); Variant is present in gnomAD <0.001 for a dominant condition (v4: 2 heterozygote(s), 0 homozygote(s)); This variant has limited previous evidence of pathogenicity in an unrelated individual(s). This variant has been classified as pathogenic by a clinical laboratory in ClinVar. - Other NMD-predicted variant(s) comparable to the one identified in this case have very strong previous evidence for pathogenicity (DECIPHER). Additional information: This variant is heterozygous; This gene is associated with autosomal dominant disease; Dominant negative and loss of function are known mechanisms of disease in this gene and are associated with basal ganglia calcification, idiopathic, 1 (MIM#213600). Missense variants can have both loss of function and dominant negative effects, while protein truncating variants are only known to have loss of function effects (PMIDs: 24209445, 23437308, 22327515, 27943094); Variants in this gene are known to have variable expressivity. In two large pedigrees, mutation positive family members are all seen to have basal ganglia calcification but only some were symptomatic (PMID: 22327515); Inheritance information for this variant is not currently available in this individual.

Labcorp Genetics (formerly Invitae), Labcorp
Classification: Pathogenic. Last evaluated: 2023-02-18. Review status: criteria provided, single submitter. Criteria: Invitae Variant Classification Sherloc (09022015). Collection method: clinical testing. Allele origin: germline.
Comment: This sequence change creates a premature translational stop signal (p.Ser261Argfs*56) in the SLC20A2 gene. It is expected to result in an absent or disrupted protein product. Loss-of-function variants in SLC20A2 are known to be pathogenic (PMID: 23334463). For these reasons, this variant has been classified as Pathogenic. This variant has not been reported in the literature in individuals affected with SLC20A2-related conditions. This variant is not present in population databases (gnomAD no frequency).

Literature cited by the submitters: PubMed 22327515 (cited by Victorian Clinical Genetics Services, Murdoch Childrens Research Institute); PubMed 27943094 (cited by Victorian Clinical Genetics Services, Murdoch Childrens Research Institute); PubMed 24209445 (cited by Victorian Clinical Genetics Services, Murdoch Childrens Research Institute); PubMed 23437308 (cited by Victorian Clinical Genetics Services, Murdoch Childrens Research Institute); PubMed 23334463 (cited by Labcorp Genetics (formerly Invitae), Labcorp).

NM_001257180.2(SLC20A2):c.783_786del (p.Ser261fs)

Gene: SLC20A2 (solute carrier family 20 member 2; minus strand). Cytogenetic location: 8p11.21.
Variant type: Deletion.
Coding change: c.783_786del on transcript NM_001257180.2 (MANE Select); coding-DNA positions 783 to 786, 4 bases deleted (TAAG; older notation c.783_786delTAAG).
Protein change: p.Ser261fs; shifts the reading frame from serine 261.
Molecular consequence: frameshift variant.
Genome position (GRCh38, 1-based): chr8:42,439,598-42,439,601, CTTA deleted on the plus strand (TAAG on the coding strand, the reverse complement: SLC20A2 is on the minus strand); deleting any 4 consecutive bases within chr8:42,439,598-42,439,603 gives the same sequence; the c. name uses the placement nearest the transcript's 3' end. VCF-style (leftmost placement, unchanged base first): chr8-42439597-CCTTA-C. GRCh37 (hg19) VCF-style: chr8-42297115-CCTTA-C.
Other names: c.783_786del, p.Ser261fs (NM_006749.5, NM_001257181.2); short protein forms S261fs.
Identifiers: ClinVar variation 2821960 (VCV002821960.5), dbSNP rs2487230219, ClinGen allele CA2687115147.